The following is an entry in ClinVar:

ClinVar aggregate classification (germline): Pathogenic (1 of 4 stars; one submission).
ClinVar aggregate classification (oncogenicity): Likely oncogenic (0 of 4 stars; one submission).

Conditions:
Alpha thalassemia-X-linked intellectual disability syndrome (ATRX). Also called: ATR-X syndrome; Alpha thalassemia mental retardation syndrome, nondeletion type, X-linked; XLMR hypotonic face syndrome; X-linked alpha-thalassemia-mental retardation syndrome; ALPHA-THALASSEMIA/IMPAIRED INTELLECTUAL DEVELOPMENT SYNDROME, X-LINKED; ALPHA-THALASSEMIA/MENTAL RETARDATION SYNDROME, X-LINKED. Identifiers: Orphanet 847, MedGen C1845055, MONDO:0010519, OMIM 301040.
Adrenal cortex carcinoma. Also called: Adrenocortical carcinoma. Identifiers: Orphanet 1501, MedGen C0206686, MeSH D018268, MONDO:0006639, HP:0006744.

Submissions (2):

Labcorp Genetics (formerly Invitae), Labcorp
Classification: Pathogenic for Alpha thalassemia-X-linked intellectual disability syndrome. Last evaluated: 2023-02-13. Review status: criteria provided, single submitter. Criteria: Invitae Variant Classification Sherloc (09022015). Collection method: clinical testing. Allele origin: germline.
Comment: For these reasons, this variant has been classified as Pathogenic. ClinVar contains an entry for this variant (Variation ID: 1334885). This variant has not been reported in the literature in individuals affected with ATRX-related conditions. This variant is not present in population databases (gnomAD no frequency). This sequence change creates a premature translational stop signal (p.Arg2079*) in the ATRX gene. It is expected to result in an absent or disrupted protein product. Loss-of-function variants in ATRX are known to be pathogenic (PMID: 15591283, 18409179, 23681356).

Genome Sciences Centre, British Columbia Cancer Agency
Classification: Likely oncogenic for Adrenal cortex carcinoma. Last evaluated: 2024-11-13. Review status: no assertion criteria provided. Collection method: research. Allele origin: somatic. Affected: yes. Observed: 1 variant allele.

Literature cited by the submitters: PubMed 15591283 (cited by Labcorp Genetics (formerly Invitae), Labcorp); PubMed 18409179 (cited by Labcorp Genetics (formerly Invitae), Labcorp); PubMed 23681356 (cited by Labcorp Genetics (formerly Invitae), Labcorp).

NM_000489.6(ATRX):c.6235C>T (p.Arg2079Ter)

Gene: ATRX (ATRX chromatin remodeler; minus strand). Cytogenetic location: Xq21.1.
Variant type: single nucleotide variant.
Coding change: c.6235C>T on transcript NM_000489.6 (MANE Select); coding-DNA position 6235, C replaced by T.
Protein change: p.Arg2079Ter; replaces arginine 2079 with a stop codon.
Molecular consequence: nonsense.
Genome position (GRCh38, 1-based): chrX:77,574,341, G>A on the plus strand (C>T on the coding strand, the complement: ATRX is on the minus strand). VCF-style: chrX-77574341-G-A. GRCh37 (hg19) VCF-style: chrX-76829806-G-A.
Other names: c.6121C>T, p.Arg2041Ter (NM_138270.5); short protein forms R2041*, R2079*.
Identifiers: ClinVar variation 1334885 (VCV001334885.5), dbSNP rs2148020083, ClinGen allele CA413701251.